The following is an entry in ClinVar:

ClinVar aggregate classification (germline): Uncertain significance (1 of 4 stars; one submission).

Conditions:
Inborn genetic diseases. Identifiers: MedGen C0950123, MeSH D030342.

Allele frequency attached by ClinVar (database versions not stated): gnomAD exomes below 0.00001.
gnomAD v4.1: 1 of 1,612,866 alleles (0.000062%); highest among the groups gnomAD compares: Non-Finnish European, 0.000085%; no homozygotes.

Submission:

Ambry Genetics
Classification: Uncertain significance for Inborn genetic diseases. Last evaluated: 2024-08-02. Review status: criteria provided, single submitter. Criteria: Ambry Variant Classification Scheme 2023. Collection method: clinical testing. Allele origin: germline.
Comment: The p.N467S variant (also known as c.1400A>G), located in coding exon 12 of the LRRK2 gene, results from an A to G substitution at nucleotide position 1400. The asparagine at codon 467 is replaced by serine, an amino acid with highly similar properties. This amino acid position is conserved. In addition, this alteration is predicted to be tolerated by in silico analysis. Since supporting evidence is limited at this time, the clinical significance of this alteration remains unclear.

NM_198578.4(LRRK2):c.1400A>G (p.Asn467Ser)

Gene: LRRK2 (leucine rich repeat kinase 2; plus strand). Cytogenetic location: 12q12.
Variant type: single nucleotide variant.
Coding change: c.1400A>G on transcript NM_198578.4 (MANE Select); coding-DNA position 1400, A replaced by G.
Protein change: p.Asn467Ser; replaces asparagine 467 with serine.
Molecular consequence: missense variant.
Genome position (GRCh38, 1-based): chr12:40,257,359, A>G. VCF-style: chr12-40257359-A-G. GRCh37 (hg19) VCF-style: chr12-40651161-A-G.
Other names: short protein forms N467S.
Identifiers: ClinVar variation 1771782 (VCV001771782.3), dbSNP rs2499538350, ClinGen allele CA384410866.